The following is an entry in ClinVar:

ClinVar aggregate classification (germline): Uncertain significance (1 of 4 stars; one submission).

gnomAD v4.1: 7 of 1,613,378 alleles (0.00043%); highest among the groups gnomAD compares: Non-Finnish European, 0.00059%; no homozygotes.

Submission:

Labcorp Genetics (formerly Invitae), Labcorp
Classification: Uncertain significance. Last evaluated: 2024-11-11. Review status: criteria provided, single submitter. Criteria: Invitae Variant Classification Sherloc (09022015). Collection method: clinical testing. Allele origin: germline.
Comment: This sequence change replaces glutamic acid, which is acidic and polar, with glycine, which is neutral and non-polar, at codon 638 of the KIF22 protein (p.Glu638Gly). This variant is present in population databases (no rsID available, gnomAD 0.0009%). This variant has not been reported in the literature in individuals affected with KIF22-related conditions. An algorithm developed to predict the effect of missense changes on protein structure and function (PolyPhen-2) suggests that this variant is likely to be tolerated. In summary, the available evidence is currently insufficient to determine the role of this variant in disease. Therefore, it has been classified as a Variant of Uncertain Significance.

NM_007317.3(KIF22):c.1913A>G (p.Glu638Gly)

Gene: KIF22 (kinesin family member 22; plus strand). Cytogenetic location: 16p11.2.
Variant type: single nucleotide variant.
Coding change: c.1913A>G on transcript NM_007317.3 (MANE Select); coding-DNA position 1913, A replaced by G.
Protein change: p.Glu638Gly; replaces glutamic acid 638 with glycine.
Molecular consequence: missense variant.
Genome position (GRCh38, 1-based): chr16:29,805,137, A>G. VCF-style: chr16-29805137-A-G. GRCh37 (hg19) VCF-style: chr16-29816458-A-G.
Other names: c.1709A>G, p.Glu570Gly (NM_001256269.2, NM_001256270.1); short protein forms E570G, E638G.
Identifiers: ClinVar variation 3609928 (VCV003609928.2).